The following is an entry in ClinVar:

NM_182961.4(SYNE1):c.23598G>A (p.Trp7866Ter)

Gene: SYNE1 (spectrin repeat containing nuclear envelope protein 1; minus strand). Cytogenetic location: 6q25.2.
Variant type: single nucleotide variant.
Coding change: c.23598G>A on transcript NM_182961.4 (MANE Select); coding-DNA position 23598, G replaced by A.
Protein change: p.Trp7866Ter; replaces tryptophan 7866 with a stop codon.
Molecular consequence: nonsense.
Genome position (GRCh38, 1-based): chr6:152,176,423, C>T on the plus strand (G>A on the coding strand, the complement: SYNE1 is on the minus strand). VCF-style: chr6-152176423-C-T. GRCh37 (hg19) VCF-style: chr6-152497558-C-T.
Other names: c.204G>A, p.Trp68Ter (NM_001347701.2); c.23385G>A, p.Trp7795Ter (NM_033071.5); short protein forms W68*, W7795*, W7866*.
Identifiers: ClinVar variation 3897033 (VCV003897033.1).

ClinVar aggregate classification (germline): Likely pathogenic (1 of 4 stars; one submission).

Conditions:
Autosomal recessive ataxia, Beauce type. Also called: SYNE1 Deficiency; Spinocerebellar ataxia, autosomal recessive 8; ATAXIA, RECESSIVE, OF BEAUCE; SYNE1-Related Autosomal Recessive Cerebellar Ataxia. Identifiers: Orphanet 88644, MedGen C1853116, MONDO:0012549, OMIM 610743.

Submission:

Kariminejad - Najmabadi Pathology & Genetics Center
Classification: Likely pathogenic for Autosomal recessive ataxia, Beauce type. Last evaluated: 2022-11-19. Review status: criteria provided, single submitter. Criteria: ACMG Guidelines, 2015. Collection method: clinical testing. Allele origin: germline. Inheritance: Autosomal recessive inheritance. Affected: yes.
Comment: PVS1, PM2